The following is an entry in ClinVar:

ClinVar aggregate classification (germline): Benign. Review status: criteria provided, single submitter (1 of 4 stars). 2 submissions from 2 submitters: Benign (1). 1 of the submissions does not count toward it. Last evaluated 2019-12-31.

Conditions:
ZC3H14-related disorder. Also called: ZC3H14-related condition.

Allele frequency attached by ClinVar (database versions not stated): gnomAD 0.00105; 1000 Genomes Project 0.00200; TOPMed 0.00126; 1000 Genomes Project 30x 0.00156.
gnomAD v4.1: 949 of 1,613,388 alleles (0.059%); highest among the groups gnomAD compares: East Asian, 1.9%; 12 homozygotes.

Submissions (6):

Labcorp Genetics (formerly Invitae), Labcorp
Classification: Benign. Last evaluated: 2019-12-31. Review status: criteria provided, single submitter. Criteria: Invitae Variant Classification Sherloc (09022015). Collection method: clinical testing. Allele origin: germline.

PreventionGenetics, part of Exact Sciences
Classification: Benign for ZC3H14-related condition. Last evaluated: 2019-06-25. Review status: no assertion criteria provided. Collection method: clinical testing. Allele origin: germline. Not counted in ClinVar's aggregate classification.
Comment: This variant is classified as benign based on ACMG/AMP sequence variant interpretation guidelines (Richards et al. 2015 PMID: 25741868, with internal and published modifications).

Dr. Peter K. Rogan Lab, Western University
No classification provided (evidence only). Condition: Uterine carcinosarcoma. Review status: no classification provided. Collection method: in vitro. Allele origin: not applicable. Functional consequence: skipped exon, retained intron. Not counted in ClinVar's aggregate classification.

Dr. Peter K. Rogan Lab, Western University
No classification provided (evidence only). Condition: Malignant tumor of esophagus. Review status: no classification provided. Collection method: in vitro. Allele origin: not applicable. Functional consequence: retained intron. Not counted in ClinVar's aggregate classification.

Dr. Peter K. Rogan Lab, Western University
No classification provided (evidence only). Condition: Malignant tumor of esophagus. Review status: no classification provided. Collection method: in vitro. Allele origin: not applicable. Functional consequence: skipped exon, retained intron. Not counted in ClinVar's aggregate classification.

Dr. Peter K. Rogan Lab, Western University
No classification provided (evidence only). Condition: Malignant tumor of esophagus. Review status: no classification provided. Collection method: in vitro. Allele origin: not applicable. Functional consequence: skipped exon. Not counted in ClinVar's aggregate classification.

NM_024824.5(ZC3H14):c.2204+4A>C

Gene: ZC3H14 (zinc finger CCCH-type containing 14; plus strand). Cytogenetic location: 14q31.3.
Variant type: single nucleotide variant.
Coding change: c.2204+4A>C on transcript NM_024824.5 (MANE Select); 4 bases into the intron after coding-DNA position 2204, A replaced by C.
Molecular consequence: intron variant.
Genome position (GRCh38, 1-based): chr14:88,610,944, A>C. VCF-style: chr14-88610944-A-C. GRCh37 (hg19) VCF-style: chr14-89077288-A-C.
Other names: NC_000014.8:g.89077288A>C; c.2102+4A>C (NM_001326297.2); c.2099+4A>C (NM_001326315.2, NM_001326316.2); c.2027+4A>C (NM_001326301.2); c.1631+4A>C (NM_001326303.2); c.2201+4A>C (NM_001160103.2); c.2189+4A>C (NM_001326310.2); c.2186+4A>C (NM_001160104.2); and 18 more.
Identifiers: ClinVar variation 717949 (VCV000717949.7), dbSNP rs191598336, ClinGen allele CA7300791.